The following is an entry in ClinVar:

ClinVar aggregate classification (germline): Uncertain significance (1 of 4 stars; one submission).

Conditions:
Congenital portosystemic shunt. Identifiers: Orphanet 480531, MedGen C1290495, MONDO:0018811.

gnomAD v4.1: 9,580 of 1,613,502 alleles (0.59%); highest among the groups gnomAD compares: Non-Finnish European, 0.74%; 35 homozygotes.

Submission:

Department of Pediatrics, Graduate School of Medical Sciences, Kyushu University
Classification: Uncertain significance for Congenital portosystemic shunt. Last evaluated: 2026-02-27. Review status: criteria provided, single submitter. Criteria: ACMG Guidelines, 2015. Collection method: research. Allele origin: germline. Affected: yes.
Comment: Both variants are rare or absent in population databases such as gnomAD, and in silico prediction tools including CADD suggest potential deleterious effects. However, the relationship between this gene and CPSS has not been established. Therefore, the clinical significance of this variant is currently classified as a variant of uncertain significance (VUS).

NM_023007.3(JMJD4):c.1033G>A (p.Ala345Thr)

Genes: SNAP47 (synaptosome associated protein 47; plus strand), JMJD4 (jumonji domain containing 4; minus strand). Cytogenetic location: 1q42.13.
Variant type: single nucleotide variant.
Coding change: c.1033G>A on transcript NM_023007.3 (MANE Select); coding-DNA position 1033, G replaced by A.
Protein change: p.Ala345Thr; replaces alanine 345 with threonine.
Molecular consequence: missense variant. On other transcripts: intron variant (3).
Genome position (GRCh38, 1-based): chr1:227,732,613, C>T on the plus strand (G>A on the coding strand, the complement: JMJD4 is on the minus strand). VCF-style: chr1-227732613-C-T. GRCh37 (hg19) VCF-style: chr1-227920314-C-T.
Other names: c.985G>A, p.Ala329Thr (NM_001161465.2); c.-46+866C>T (NM_001323933.2, NM_001323932.2); c.-46+3827C>T (NM_001323930.2); short protein forms A329T, A345T.
Identifiers: ClinVar variation 4813093 (VCV004813093.1).
Genomic context (GRCh38, chr1:227,732,613, plus strand): 5'-AACCCAACCCAGCACCGTCCTCAGCGGCTGCCTCCCTCAGGACCAGGAGCCTCTTCTCAG[C>T]GATGACCTTGAGGAAGTGGTAAAACTCTTCAAAGTTGATGCCCGAGCAGGACCTCATGAT-3'
Protein context (NP_075383.3, residues 335-355): EEFYHFLKVI[Ala345Thr]EKRLLVLREA